The following is an entry in ClinVar:

ClinVar aggregate classification (germline): Uncertain significance. Review status: criteria provided, multiple submitters, no conflicts (2 of 4 stars). 2 submissions from 2 submitters: Uncertain significance (2). Last evaluated 2022-02-27.

Conditions:
Hereditary cancer-predisposing syndrome. Also called: Tumor predisposition; Hereditary neoplastic syndrome; Neoplastic Syndromes, Hereditary; Hereditary Cancer Syndrome. Identifiers: Orphanet 140162, MedGen C0027672, MeSH D009386, MONDO:0015356.

Submissions (2):

Ambry Genetics
Classification: Uncertain significance for Hereditary cancer-predisposing syndrome. Last evaluated: 2022-02-27. Review status: criteria provided, single submitter. Criteria: Ambry Variant Classification Scheme 2023. Collection method: clinical testing. Allele origin: germline.
Comment: The p.I622V variant (also known as c.1864A>G), located in coding exon 17 of the POLE gene, results from an A to G substitution at nucleotide position 1864. The isoleucine at codon 622 is replaced by valine, an amino acid with highly similar properties. This amino acid position is conserved. In addition, the in silico prediction for this alteration is inconclusive. Since supporting evidence is limited at this time, the clinical significance of this alteration remains unclear.

Labcorp Genetics (formerly Invitae), Labcorp
Classification: Uncertain significance. Last evaluated: 2020-06-23. Review status: criteria provided, single submitter. Criteria: Invitae Variant Classification Sherloc (09022015). Collection method: clinical testing. Allele origin: germline.
Comment: In summary, the available evidence is currently insufficient to determine the role of this variant in disease. Therefore, it has been classified as a Variant of Uncertain Significance. Algorithms developed to predict the effect of missense changes on protein structure and function (SIFT, PolyPhen-2, Align-GVGD) all suggest that this variant is likely to be disruptive, but these predictions have not been confirmed by published functional studies and their clinical significance is uncertain. This variant has not been reported in the literature in individuals with POLE-related conditions. This variant is not present in population databases (ExAC no frequency). This sequence change replaces isoleucine with valine at codon 622 of the POLE protein (p.Ile622Val). The isoleucine residue is highly conserved and there is a small physicochemical difference between isoleucine and valine.

NM_006231.4(POLE):c.1864A>G (p.Ile622Val)

Gene: POLE (DNA polymerase epsilon, catalytic subunit; minus strand). Cytogenetic location: 12q24.33.
Variant type: single nucleotide variant.
Coding change: c.1864A>G on transcript NM_006231.4 (MANE Select); coding-DNA position 1864, A replaced by G.
Protein change: p.Ile622Val; replaces isoleucine 622 with valine.
Molecular consequence: missense variant.
Genome position (GRCh38, 1-based): chr12:132,668,870, T>C on the plus strand (A>G on the coding strand, the complement: POLE is on the minus strand). VCF-style: chr12-132668870-T-C. GRCh37 (hg19) VCF-style: chr12-133245456-T-C.
Other names: short protein forms I622V.
Identifiers: ClinVar variation 1007687 (VCV001007687.11), dbSNP rs2042860125, ClinGen allele CA387355456.